The following is an entry in ClinVar:

ClinVar aggregate classification (germline): Benign/Likely benign. Review status: criteria provided, multiple submitters, no conflicts (2 of 4 stars). 15 submissions from 14 submitters: Benign (8); Likely benign (4). 3 of the submissions do not count toward it. Last evaluated 2026-07-01.

Conditions:
Connective tissue disorder. Also called: Connective tissue disease. Identifiers: MedGen C0009782, MONDO:0003900.
Type 2 collagenopathy. Identifiers: Orphanet 93421, MedGen C2931073, MONDO:0022800.
Stickler syndrome type 1 (STL1). Also called: STICKLER SYNDROME, MEMBRANOUS VITREOUS TYPE; STICKLER SYNDROME, VITREOUS TYPE 1; ARTHROOPHTHALMOPATHY, HEREDITARY PROGRESSIVE; COL2A1-Related Stickler Syndrome. Identifiers: Orphanet 828, Orphanet 90653, MedGen C2020284, MONDO:0007160, OMIM 108300.

Allele frequency attached by ClinVar (database versions not stated): 1000 Genomes Project 30x 0.00328; 1000 Genomes Project 0.00359; gnomAD 0.00464 and 0.00478; ExAC 0.00483; gnomAD exomes 0.00493 and 0.00778; TOPMed 0.00497; ESP Exome Variant Server 0.00554.
gnomAD v4.1: 12,098 of 1,614,108 alleles (0.75%); highest among the groups gnomAD compares: Non-Finnish European, 0.92%; 69 homozygotes.

Submissions (15):

CeGaT Center for Human Genetics Tuebingen
Classification: Benign. Last evaluated: 2026-07-01. Review status: criteria provided, single submitter. Criteria: CeGaT Center For Human Genetics Tuebingen Variant Classification Criteria Version 2. Collection method: clinical testing. Allele origin: germline. Affected: yes. Observed: 14 variant alleles.
Comment: COL2A1: BP4, BP7, BS1, BS2

Women's Health and Genetics/Laboratory Corporation of America, LabCorp
Classification: Benign. Last evaluated: 2026-05-11. Review status: criteria provided, single submitter. Criteria: LabCorp Variant Classification Summary - May 2015. Collection method: clinical testing. Allele origin: germline.

Labcorp Genetics (formerly Invitae), Labcorp
Classification: Benign. Last evaluated: 2026-02-04. Review status: criteria provided, single submitter. Criteria: Invitae Variant Classification Sherloc (09022015). Collection method: clinical testing. Allele origin: germline.

ARUP Laboratories, Molecular Genetics and Genomics, ARUP Laboratories
Classification: Benign. Last evaluated: 2025-05-08. Review status: criteria provided, single submitter. Criteria: ARUP Molecular Germline Variant Investigation Process 2024. Collection method: clinical testing. Allele origin: germline.

Blueprint Genetics
Classification: Likely benign. Last evaluated: 2024-11-26. Review status: criteria provided, single submitter. Criteria: ACMG Guidelines, 2015. Collection method: clinical testing. Allele origin: germline.

Genome Diagnostics Laboratory, The Hospital for Sick Children
Classification: Benign for Connective tissue disorder. Last evaluated: 2022-03-17. Review status: criteria provided, single submitter. Criteria: ACMG Guidelines, 2015. Collection method: clinical testing. Allele origin: germline.

Illumina Laboratory Services, Illumina
Classification: Likely benign for Stickler syndrome type 1. Last evaluated: 2018-01-12. Review status: criteria provided, single submitter. Criteria: ICSL Variant Classification Criteria 13 December 2019. Collection method: clinical testing. Allele origin: germline.
Comment: This variant was observed in the ICSL laboratory as part of a predisposition screen in an ostensibly healthy population. It had not been previously curated by ICSL or reported in the Human Gene Mutation Database (HGMD: prior to June 1st, 2018), and was therefore a candidate for classification through an automated scoring system. Utilizing variant allele frequency, disease prevalence and penetrance estimates, and inheritance mode, an automated score was calculated to assess if this variant is too frequent to cause the disease. Based on the score and internal cut-off values, a variant classified as likely benign is not then subjected to further curation. The score for this variant resulted in a classification of likely benign for this disease.

Illumina Laboratory Services, Illumina
Classification: Benign for Type II Collagenopathies. Last evaluated: 2018-01-12. Review status: criteria provided, single submitter. Criteria: ICSL Variant Classification Criteria 13 December 2019. Collection method: clinical testing. Allele origin: germline.
Comment: This variant was observed in the ICSL laboratory as part of a predisposition screen in an ostensibly healthy population. It had not been previously curated by ICSL or reported in the Human Gene Mutation Database (HGMD: prior to June 1st, 2018), and was therefore a candidate for classification through an automated scoring system. Utilizing variant allele frequency, disease prevalence and penetrance estimates, and inheritance mode, an automated score was calculated to assess if this variant is too frequent to cause the disease. Based on the score and internal cut-off values, a variant classified as benign is not then subjected to further curation. The score for this variant resulted in a classification of benign for this disease.

GeneDx
Classification: Benign. Last evaluated: 2016-06-06. Review status: criteria provided, single submitter. Criteria: GeneDx Variant Classification (06012015). Collection method: clinical testing. Allele origin: germline. Affected: yes.
Comment: This variant is considered likely benign or benign based on one or more of the following criteria: it is a conservative change, it occurs at a poorly conserved position in the protein, it is predicted to be benign by multiple in silico algorithms, and/or has population frequency not consistent with disease.

Eurofins Ntd Llc (ga)
Classification: Benign. Last evaluated: 2014-12-01. Review status: criteria provided, single submitter. Criteria: EGL Classification Definitions 2015. Collection method: clinical testing. Allele origin: germline. Observed: 2 variant alleles, 2 heterozygotes.

Breakthrough Genomics
Classification: Likely benign. Review status: criteria provided, single submitter. Criteria: ACMG Guidelines, 2015. Collection method: not provided. Allele origin: germline. Inheritance: Autosomal dominant inheritance. Affected: yes.

PreventionGenetics, part of Exact Sciences
Classification: Likely benign. Review status: criteria provided, single submitter. Criteria: ACMG Guidelines, 2015. Collection method: clinical testing. Allele origin: germline.

Clinical Genetics, Academic Medical Center
Classification: Benign. Review status: no assertion criteria provided. Collection method: clinical testing. Allele origin: germline. Affected: yes. Study: VKGL Data-share Consensus. Not counted in ClinVar's aggregate classification.

Joint Genome Diagnostic Labs from Nijmegen and Maastricht, Radboudumc and MUMC+
Classification: Benign. Review status: no assertion criteria provided. Collection method: clinical testing. Allele origin: germline. Affected: yes. Study: VKGL Data-share Consensus. Not counted in ClinVar's aggregate classification.

Laboratory of Diagnostic Genome Analysis, Leiden University Medical Center (LUMC)
Classification: Likely benign. Review status: no assertion criteria provided. Collection method: clinical testing. Allele origin: germline. Affected: yes. Study: VKGL Data-share Consensus. Not counted in ClinVar's aggregate classification.

NM_001844.5(COL2A1):c.4104C>T (p.Pro1368=)

Gene: COL2A1 (collagen type II alpha 1 chain; minus strand). Cytogenetic location: 12q13.11.
Variant type: single nucleotide variant.
Coding change: c.4104C>T on transcript NM_001844.5 (MANE Select); coding-DNA position 4104, C replaced by T.
Protein change: p.Pro1368=; no amino-acid change (proline 1368 retained).
Molecular consequence: synonymous variant.
Genome position (GRCh38, 1-based): chr12:47,974,302, G>A on the plus strand (C>T on the coding strand, the complement: COL2A1 is on the minus strand). VCF-style: chr12-47974302-G-A. GRCh37 (hg19) VCF-style: chr12-48368085-G-A.
Other names: c.3897C>T, p.Pro1299= (NM_033150.3).
Identifiers: ClinVar variation 197948 (VCV000197948.62), dbSNP rs12721379, ClinGen allele CA203163.
Genomic context (GRCh38, chr12:47,974,302, plus strand): 5'-GTTCTGGGAGCCTTCCGTGGACAGCAGGCGTAGGAAGGTCATCTGGACGTTGGCAGTGTT[G>A]GGAGCCAGATTGTCATCTCCATAGCTGAACTGTTGGGGCAGAGAGCGGCAGTGTGAGGCC-3'
Protein context (NP_001835.3, residues 1358-1378): HFSYGDDNLA[Pro1368=]NTANVQMTFL